The following is an entry in ClinVar:

ClinVar aggregate classification (germline): Pathogenic (1 of 4 stars; one submission).

Conditions:
Sulfite oxidase deficiency due to molybdenum cofactor deficiency type A. Also called: Molybdenum cofactor deficiency, complementation group A; Molybdenum Cofactor Deficiency A. Identifiers: Orphanet 308386, Orphanet 833, MedGen C1854988, MONDO:0009643, OMIM 252150.

Submission:

Labcorp Genetics (formerly Invitae), Labcorp
Classification: Pathogenic for Sulfite oxidase deficiency due to molybdenum cofactor deficiency type A. Last evaluated: 2023-06-10. Review status: criteria provided, single submitter. Criteria: Invitae Variant Classification Sherloc (09022015). Collection method: clinical testing. Allele origin: germline.
Comment: This sequence change creates a premature translational stop signal (p.Gly426*) in the MOCS1 gene. While this is not anticipated to result in nonsense mediated decay, it is expected to disrupt the last 211 amino acid(s) of the MOCS1 protein. This variant is not present in population databases (gnomAD no frequency). For these reasons, this variant has been classified as Pathogenic. This variant disrupts a region of the MOCS1 protein in which other variant(s) (p.Glu503Alafs*103) have been determined to be pathogenic (PMID: 9731530, 9921896). This suggests that this is a clinically significant region of the protein, and that variants that disrupt it are likely to be disease-causing. This variant has not been reported in the literature in individuals affected with MOCS1-related conditions.

Literature cited by the submitters: PubMed 9731530; PubMed 9921896.

NM_001358530.2(MOCS1):c.1276G>T (p.Gly426Ter)

Gene: MOCS1 (molybdenum cofactor synthesis 1; minus strand). Cytogenetic location: 6p21.2.
Variant type: single nucleotide variant.
Coding change: c.1276G>T on transcript NM_001358530.2 (MANE Select); coding-DNA position 1276, G replaced by T.
Protein change: p.Gly426Ter; replaces glycine 426 with a stop codon.
Molecular consequence: nonsense. On other transcripts: 3 prime UTR variant (4), non-coding transcript variant (1).
Genome position (GRCh38, 1-based): chr6:39,906,992, C>A on the plus strand (G>T on the coding strand, the complement: MOCS1 is on the minus strand). VCF-style: chr6-39906992-C-A. GRCh37 (hg19) VCF-style: chr6-39874768-C-A.
Other names: c.*133G>T (NM_001075098.4, NM_001358533.2, NM_001358534.2 and 1 more transcripts); c.1228G>T, p.Gly410Ter (NM_001358529.2); c.1015G>T, p.Gly339Ter (NM_001358531.2); short protein forms G410*, G426*, G339*.
Identifiers: ClinVar variation 2864938 (VCV002864938.3), dbSNP rs777405686, ClinGen allele CA364040914.